The following is an entry in ClinVar:

NM_002474.3(MYH11):c.1870C>T (p.Arg624Cys)

Gene: MYH11 (myosin heavy chain 11; minus strand). Cytogenetic location: 16p13.11.
Variant type: single nucleotide variant.
Coding change: c.1870C>T on transcript NM_002474.3 (MANE Select); coding-DNA position 1870, C replaced by T.
Protein change: p.Arg624Cys; replaces arginine 624 with cysteine.
Molecular consequence: missense variant.
Genome position (GRCh38, 1-based): chr16:15,750,326, G>A on the plus strand (C>T on the coding strand, the complement: MYH11 is on the minus strand). VCF-style: chr16-15750326-G-A. GRCh37 (hg19) VCF-style: chr16-15844183-G-A.
Other names: c.1891C>T, p.Arg631Cys (NM_001040113.2, NM_001040114.2); c.1870C>T, p.Arg624Cys (NM_022844.3); short protein forms R624C, R631C.
Identifiers: ClinVar variation 652475 (VCV000652475.7), dbSNP rs765885909, ClinGen allele CA7922476.

ClinVar aggregate classification (germline): Uncertain significance. Review status: criteria provided, multiple submitters, no conflicts (2 of 4 stars). 2 submissions from 2 submitters: Uncertain significance (2). Last evaluated 2025-08-03.

Conditions:
Familial thoracic aortic aneurysm and aortic dissection (TAAD). Also called: Thoracic aortic aneurysms and dissections. Identifiers: Orphanet 91387, MedGen C4707243, MONDO:0019625.
Aortic aneurysm, familial thoracic 4 (AAT4). Also called: AORTIC ANEURYSM/AORTIC DISSECTION AND PATENT DUCTUS ARTERIOSUS. Identifiers: MedGen C1851504, MONDO:0007568, OMIM 132900.

Allele frequency attached by ClinVar (database versions not stated): gnomAD exomes 0.00002 and 0.00005; ExAC 0.00008.
gnomAD v4.1: 29 of 1,599,078 alleles (0.0018%); highest among the groups gnomAD compares: South Asian, 0.02%; no homozygotes.

Submissions (2):

Labcorp Genetics (formerly Invitae), Labcorp
Classification: Uncertain significance for Aortic aneurysm, familial thoracic 4. Last evaluated: 2025-08-03. Review status: criteria provided, single submitter. Criteria: Invitae Variant Classification Sherloc (09022015). Collection method: clinical testing. Allele origin: germline.
Comment: This sequence change replaces arginine, which is basic and polar, with cysteine, which is neutral and slightly polar, at codon 631 of the MYH11 protein (p.Arg631Cys). This variant is present in population databases (rs765885909, gnomAD 0.03%). This variant has not been reported in the literature in individuals affected with MYH11-related conditions. ClinVar contains an entry for this variant (Variation ID: 652475). An algorithm developed to predict the effect of missense changes on protein structure and function (PolyPhen-2) suggests that this variant is likely to be disruptive. In summary, the available evidence is currently insufficient to determine the role of this variant in disease. Therefore, it has been classified as a Variant of Uncertain Significance.

All of Us Research Program, National Institutes of Health
Classification: Uncertain significance for Familial thoracic aortic aneurysm and aortic dissection. Last evaluated: 2023-06-08. Review status: criteria provided, single submitter. Criteria: ACMG Guidelines, 2015. Collection method: clinical testing. Allele origin: germline. Inheritance: Autosomal dominant inheritance. Observed: 1 variant allele, 1 heterozygote.
Comment: This missense variant replaces arginine with cysteine at codon 631 of the MYH11 protein. Computational prediction suggests that this variant may have deleterious impact on protein structure and function (internally defined REVEL score threshold >= 0.7, PMID: 27666373). To our knowledge, functional studies have not been reported for this variant. This variant has not been reported in individuals affected with MYH11-related disorders in the literature. This variant has been identified in 10/217996 chromosomes in the general population by the Genome Aggregation Database (gnomAD). The available evidence is insufficient to determine the role of this variant in disease conclusively. Therefore, this variant is classified as a Variant of Uncertain Significance.

This study involves interpretation of variants in research participants for the purpose of population health screening. Participant phenotype was not available at the time of variant classification. Additional details can be found in publication PMID: 35346344, PMCID: PMC8962531